The following is an entry in ClinVar:

NM_006030.4(CACNA2D2):c.485_486del (p.Tyr161_Tyr162insTer)

Gene: CACNA2D2 (calcium voltage-gated channel auxiliary subunit alpha2delta 2; minus strand). Cytogenetic location: 3p21.31.
Variant type: Deletion.
Coding change: c.485_486del on transcript NM_006030.4 (MANE Select); coding-DNA positions 485 to 486, 2 bases deleted (AT; older notation c.485_486delAT).
Protein change: p.Tyr161_Tyr162insTer.
Molecular consequence: nonsense.
Genome position (GRCh38, 1-based): chr3:50,387,592-50,387,593, AT deleted on the plus strand (AT on the coding strand, the reverse complement: CACNA2D2 is on the minus strand); deleting any 2 consecutive bases within chr3:50,387,592-50,387,594 gives the same sequence; the c. name uses the placement nearest the transcript's 3' end. VCF-style (leftmost placement, unchanged base first): chr3-50387591-CAT-C. GRCh37 (hg19) VCF-style: chr3-50425022-CAT-C.
Other names: c.485_486del, p.Tyr161_Tyr162insTer (NM_001005505.3, NM_001174051.3); c.278_279del, p.Tyr92_Tyr93insTer (NM_001291101.1).
Identifiers: ClinVar variation 411003 (VCV000411003.6), dbSNP rs1060503108, ClinGen allele CA16611509.
Genomic context (GRCh38, chr3:50,387,591, plus strand): 5'-CCCAGCAAGGAGGTGTGGCTCAGGAGGGGGTGCTCACCAGCTCAGCGTCAGCCTTGGCGT[CAT>C]AGTACACGATGTCTTCCTCCTGGTGAGGGGAGAGAGGCCTCAGCACTAGCTGCTCAGGGT-3'

ClinVar aggregate classification (germline): Pathogenic (1 of 4 stars; one submission).

Conditions:
Early-infantile DEE. Also called: Ohtahara syndrome; Early infantile epileptic encephalopathy with suppression bursts; Early infantile epileptic encephalopathy. Identifiers: Orphanet 1934, MedGen C0393706, MONDO:0800491.

Submission:

Labcorp Genetics (formerly Invitae), Labcorp
Classification: Pathogenic for Early-infantile DEE. Last evaluated: 2016-04-23. Review status: criteria provided, single submitter. Criteria: Invitae Variant Classification Sherloc (09022015). Collection method: clinical testing. Allele origin: germline.
Comment: This sequence change deletes 2 nucleotides in exon 5 of the CACNA2D2 mRNA (c.485_486delAT), causing a frameshift at codon 162. This creates a premature translational stop signal (p.Tyr162*) and is expected to result in an absent or disrupted protein product. For these reasons, this variant has been classified as Pathogenic. While this particular variant has not been reported in the literature, truncating variants in CACNA2D2 are known to be pathogenic (PMID: 24358150).

Literature cited by the submitters: PubMed 24358150.